The following is an entry in ClinVar:

ClinVar aggregate classification (germline): Uncertain significance (1 of 4 stars; one submission).

Conditions:
Emery-Dreifuss muscular dystrophy 4, autosomal dominant (EDMD4). Also called: EMERY-DREIFUSS MUSCULAR DYSTROPHY 4 WITH VARIABLE FEATURES. Identifiers: Orphanet 261, MedGen C2751807, MONDO:0013071, OMIM 612998.
Autosomal recessive ataxia, Beauce type. Also called: Spinocerebellar ataxia, autosomal recessive 8; ATAXIA, RECESSIVE, OF BEAUCE; SYNE1 Deficiency; SYNE1-Related Autosomal Recessive Cerebellar Ataxia. Identifiers: Orphanet 88644, MedGen C1853116, MONDO:0012549, OMIM 610743.

Allele frequency attached by ClinVar (database versions not stated): gnomAD 0.00001; TOPMed 0.00001; ExAC 0.00002; gnomAD exomes 0.00005 and 0.00010.
gnomAD v4.1: 30 of 1,614,078 alleles (0.0019%); highest among the groups gnomAD compares: Admixed American, 0.05%; no homozygotes.

Submission:

Labcorp Genetics (formerly Invitae), Labcorp
Classification: Uncertain significance for Emery-Dreifuss muscular dystrophy 4, autosomal dominant; Autosomal recessive ataxia, Beauce type. Last evaluated: 2023-10-10. Review status: criteria provided, single submitter. Criteria: Invitae Variant Classification Sherloc (09022015). Collection method: clinical testing. Allele origin: germline.
Comment: This sequence change replaces leucine, which is neutral and non-polar, with valine, which is neutral and non-polar, at codon 2976 of the SYNE1 protein (p.Leu2976Val). This variant is present in population databases (rs753512972, gnomAD 0.07%). This variant has not been reported in the literature in individuals affected with SYNE1-related conditions. ClinVar contains an entry for this variant (Variation ID: 1046328). An algorithm developed to predict the effect of missense changes on protein structure and function (PolyPhen-2) suggests that this variant¬†is likely to be tolerated. In summary, the available evidence is currently insufficient to determine the role of this variant in disease. Therefore, it has been classified as a Variant of Uncertain Significance.

NM_182961.4(SYNE1):c.8905C>G (p.Leu2969Val)

Genes: SYNE1 (spectrin repeat containing nuclear envelope protein 1; minus strand), SYNE1-AS1 (SYNE1 antisense RNA 1; plus strand). Cytogenetic location: 6q25.2.
Variant type: single nucleotide variant.
Coding change: c.8905C>G on transcript NM_182961.4 (MANE Select); coding-DNA position 8905, C replaced by G.
Protein change: p.Leu2969Val; replaces leucine 2969 with valine.
Molecular consequence: missense variant. On other transcripts: non-coding transcript variant (1).
Genome position (GRCh38, 1-based): chr6:152,381,110, G>C on the plus strand (C>G on the coding strand, the complement: SYNE1 is on the minus strand). VCF-style: chr6-152381110-G-C. GRCh37 (hg19) VCF-style: chr6-152702245-G-C.
Other names: c.8926C>G, p.Leu2976Val (NM_033071.5); short protein forms L2969V, L2976V.
Identifiers: ClinVar variation 1046328 (VCV001046328.6), dbSNP rs753512972, ClinGen allele CA4057438.
Genomic context (GRCh38, chr6:152,381,110, plus strand): 5'-TGCCTTCCAGGAGGGTTAACTGCTGAGCCCAGGTTTTCAGAAGGGCACTGAACTGTTCCA[G>C]GGCCTGCTCCAGTTGAGCCACTTGGCCTGAGAATTCCTGCTCCGAAAGGGCCATCTGGCT-3'
Protein context (NP_892006.3, residues 2959-2979): SGQVAQLEQA[Leu2969Val]EQFSALLKTW